The following is an entry in ClinVar:

ClinVar aggregate classification (germline): Uncertain significance (1 of 4 stars; one submission).

Conditions:
Familial thoracic aortic aneurysm and aortic dissection (TAAD). Also called: Thoracic aortic aneurysms and dissections. Identifiers: Orphanet 91387, MedGen C4707243, MONDO:0019625.

Allele frequency attached by ClinVar (database versions not stated): TOPMed below 0.00001; ExAC 0.00001; gnomAD 0.00001.
gnomAD v4.1: 3 of 1,612,724 alleles (0.00019%); highest among the groups gnomAD compares: Non-Finnish European, 0.00025%; no homozygotes.

Submission:

Ambry Genetics
Classification: Uncertain significance for Familial thoracic aortic aneurysm and aortic dissection. Last evaluated: 2023-03-29. Review status: criteria provided, single submitter. Criteria: Ambry Variant Classification Scheme 2023. Collection method: clinical testing. Allele origin: germline.
Comment: The p.P303L variant (also known as c.908C>T), located in coding exon 6 of the NOTCH1 gene, results from a C to T substitution at nucleotide position 908. The proline at codon 303 is replaced by leucine, an amino acid with similar properties. This amino acid position is conserved. In addition, the in silico prediction for this alteration is inconclusive. Since supporting evidence is limited at this time, the clinical significance of this alteration remains unclear.

NM_017617.5(NOTCH1):c.908C>T (p.Pro303Leu)

Gene: NOTCH1 (notch receptor 1; minus strand). Cytogenetic location: 9q34.3.
Variant type: single nucleotide variant.
Coding change: c.908C>T on transcript NM_017617.5 (MANE Select); coding-DNA position 908, C replaced by T.
Protein change: p.Pro303Leu; replaces proline 303 with leucine.
Molecular consequence: missense variant.
Genome position (GRCh38, 1-based): chr9:136,518,782, G>A on the plus strand (C>T on the coding strand, the complement: NOTCH1 is on the minus strand). VCF-style: chr9-136518782-G-A. GRCh37 (hg19) VCF-style: chr9-139413234-G-A.
Other names: short protein forms P303L.
Identifiers: ClinVar variation 2566641 (VCV002566641.2), dbSNP rs781156651, ClinGen allele CA5341982.
Genomic context (GRCh38, chr9:136,518,782, plus strand): 5'-CACACGCAGTTGTAGCCACCGTGGGTGTTGTGGCAGGTCCCGCCGTTCTGGCAGGCATTT[G>A]GCATCAGCTGGCACTCGTCCACATCCTCGGTACAGTACTGACCTGCAGGGAACAGGAGCT-3'
Protein context (NP_060087.3, residues 293-313): TEDVDECQLM[Pro303Leu]NACQNGGTCH